The following is an entry in ClinVar:

ClinVar aggregate classification (germline): Likely benign (0 of 4 stars; one submission).

Conditions:
DEF6-related disorder. Also called: DEF6-related condition.

Allele frequency attached by ClinVar (database versions not stated): ExAC 0.00002; gnomAD 0.00003; TOPMed 0.00003.
gnomAD v4.1: 4 of 1,614,052 alleles (0.00025%); highest among the groups gnomAD compares: African/African-American, 0.0053%; no homozygotes.

Submission:

PreventionGenetics, part of Exact Sciences
Classification: Likely benign for DEF6-related condition. Last evaluated: 2023-06-02. Review status: no assertion criteria provided. Collection method: clinical testing. Allele origin: germline.
Comment: This variant is classified as likely benign based on ACMG/AMP sequence variant interpretation guidelines (Richards et al. 2015 PMID: 25741868, with internal and published modifications).

NM_022047.4(DEF6):c.531G>T (p.Gly177=)

Gene: DEF6 (DEF6 guanine nucleotide exchange factor; plus strand). Cytogenetic location: 6p21.31.
Variant type: single nucleotide variant.
Coding change: c.531G>T on transcript NM_022047.4 (MANE Select); coding-DNA position 531, G replaced by T.
Protein change: p.Gly177=; no amino-acid change (glycine 177 retained).
Molecular consequence: synonymous variant.
Genome position (GRCh38, 1-based): chr6:35,312,409, G>T. VCF-style: chr6-35312409-G-T. GRCh37 (hg19) VCF-style: chr6-35280186-G-T.
Identifiers: ClinVar variation 3058267 (VCV003058267.2), dbSNP rs746197755, ClinGen allele CA3770741.